The following is an entry in ClinVar:

NM_014915.3(ANKRD26):c.2248A>G (p.Thr750Ala)

Gene: ANKRD26 (ankyrin repeat domain containing 26; minus strand). Cytogenetic location: 10p12.1.
Variant type: single nucleotide variant.
Coding change: c.2248A>G on transcript NM_014915.3 (MANE Select); coding-DNA position 2248, A replaced by G.
Protein change: p.Thr750Ala; replaces threonine 750 with alanine.
Molecular consequence: missense variant.
Genome position (GRCh38, 1-based): chr10:27,040,092, T>C on the plus strand (A>G on the coding strand, the complement: ANKRD26 is on the minus strand). VCF-style: chr10-27040092-T-C. GRCh37 (hg19) VCF-style: chr10-27329021-T-C.
Other names: c.2245A>G, p.Thr749Ala (NM_001256053.2); short protein forms T750A, T749A.
Identifiers: ClinVar variation 3871174 (VCV003871174.1).

ClinVar aggregate classification (germline): Uncertain significance (1 of 4 stars; one submission).

Conditions:
Inborn genetic diseases. Identifiers: MedGen C0950123, MeSH D030342.

Submission:

Ambry Genetics
Classification: Uncertain significance for Inborn genetic diseases. Last evaluated: 2025-02-10. Review status: criteria provided, single submitter. Criteria: Ambry Variant Classification Scheme 2023. Collection method: clinical testing. Allele origin: germline.
Comment: The p.T750A variant (also known as c.2248A>G), located in coding exon 21 of the ANKRD26 gene, results from an A to G substitution at nucleotide position 2248. The threonine at codon 750 is replaced by alanine, an amino acid with similar properties. This amino acid position is conserved. In addition, this alteration is predicted to be tolerated by in silico analysis. Based on the available evidence, the clinical significance of this variant remains unclear.